The following is an entry in ClinVar:

NM_001292063.2(OTOG):c.4826C>T (p.Pro1609Leu)

Gene: OTOG (otogelin; plus strand). Cytogenetic location: 11p15.1.
Variant type: single nucleotide variant.
Coding change: c.4826C>T on transcript NM_001292063.2 (MANE Select); coding-DNA position 4826, C replaced by T.
Protein change: p.Pro1609Leu; replaces proline 1609 with leucine.
Molecular consequence: missense variant.
Genome position (GRCh38, 1-based): chr11:17,610,126, C>T. VCF-style: chr11-17610126-C-T. GRCh37 (hg19) VCF-style: chr11-17631673-C-T.
Other names: c.4862C>T, p.Pro1621Leu (NM_001277269.2); short protein forms P1621L, P1609L.
Identifiers: ClinVar variation 517267 (VCV000517267.7), dbSNP rs937557181, ClinGen allele CA218475625.

ClinVar aggregate classification (germline): Conflicting classifications of pathogenicity. Review status: criteria provided, conflicting classifications (1 of 4 stars). 3 submissions from 3 submitters: Uncertain significance (2); Likely benign (1). Last evaluated 2024-10-26.

Conditions:
OTOG-related disorder. Also called: OTOG-related condition.

Allele frequency attached by ClinVar (database versions not stated): gnomAD 0.00009; TOPMed 0.00021.
gnomAD v4.1: 20 of 1,550,504 alleles (0.0013%); highest among the groups gnomAD compares: Admixed American, 0.025%; no homozygotes.

Submissions (3):

PreventionGenetics, part of Exact Sciences
Classification: Uncertain significance for OTOG-related condition. Last evaluated: 2024-10-26. Review status: criteria provided, single submitter. Criteria: ACMG Guidelines, 2015. Collection method: clinical testing. Allele origin: germline.
Comment: The OTOG c.4862C>T variant is predicted to result in the amino acid substitution p.Pro1621Leu. To our knowledge, this variant has not been reported in the literature. This variant is reported in two out of ~149,000 alleles in gnomAD. At this time, the clinical significance of this variant is uncertain due to the absence of conclusive functional and genetic evidence.

GeneDx
Classification: Uncertain significance. Last evaluated: 2023-05-22. Review status: criteria provided, single submitter. Criteria: GeneDx Variant Classification Process June 2021. Collection method: clinical testing. Allele origin: germline. Affected: yes.
Comment: Not observed at significant frequency in large population cohorts (gnomAD); In silico analysis supports that this missense variant does not alter protein structure/function; Has not been previously published as pathogenic or benign to our knowledge

Laboratory for Molecular Medicine, Mass General Brigham Personalized Medicine
Classification: Likely benign. Last evaluated: 2017-03-07. Review status: criteria provided, single submitter. Criteria: LMM Criteria. Collection method: clinical testing. Allele origin: germline. Observed: 1 variant allele.
Comment: p.Pro1621Leu in exon 35 of OTOG: This variant is not expected to have clinical s ignificance due to a lack of conservation across species, including mammals. Of note, 3 mammals (Tibetan antelope, hedgehog, platypus) has a Leu at this positio n.